The following is an entry in ClinVar:

NM_004655.4(AXIN2):c.1636G>T (p.Gly546Cys)

Gene: AXIN2 (axin 2; minus strand). Cytogenetic location: 17q24.1.
Variant type: single nucleotide variant.
Coding change: c.1636G>T on transcript NM_004655.4 (MANE Select); coding-DNA position 1636, G replaced by T.
Protein change: p.Gly546Cys; replaces glycine 546 with cysteine.
Molecular consequence: missense variant.
Genome position (GRCh38, 1-based): chr17:65,537,400, C>A on the plus strand (G>T on the coding strand, the complement: AXIN2 is on the minus strand). VCF-style: chr17-65537400-C-A. GRCh37 (hg19) VCF-style: chr17-63533518-C-A.
Other names: c.1636G>T, p.Gly546Cys (NM_001363813.1); short protein forms G546C.
Identifiers: ClinVar variation 5032571 (VCV005032571.1).

ClinVar aggregate classification (germline): Uncertain significance (1 of 4 stars; one submission).

Conditions:
Hereditary cancer-predisposing syndrome. Also called: Neoplastic Syndromes, Hereditary; Tumor predisposition; Hereditary neoplastic syndrome; Hereditary Cancer Syndrome. Identifiers: Orphanet 140162, MedGen C0027672, MeSH D009386, MONDO:0015356.

gnomAD v4.1: 3 of 1,614,054 alleles (0.00019%); highest among the groups gnomAD compares: Non-Finnish European, 0.00025%; no homozygotes.

Submission:

Ambry Genetics
Classification: Uncertain significance for Hereditary cancer-predisposing syndrome. Last evaluated: 2026-07-06. Review status: criteria provided, single submitter. Criteria: Ambry Variant Classification Scheme 2023. Collection method: clinical testing. Allele origin: germline.
Comment: The p.G546C variant (also known as c.1636G>T), located in coding exon 5 of the AXIN2 gene, results from a G to T substitution at nucleotide position 1636. The glycine at codon 546 is replaced by cysteine, an amino acid with highly dissimilar properties. This amino acid position is conserved. In addition, this alteration is predicted to be tolerated by in silico analysis. Based on the available evidence, the clinical significance of this variant remains unclear.